The following is an entry in ClinVar:

NM_005391.5(PDK3):c.764C>T (p.Ala255Val)

Gene: PDK3 (pyruvate dehydrogenase kinase 3; plus strand). Cytogenetic location: Xp22.11.
Variant type: single nucleotide variant.
Coding change: c.764C>T on transcript NM_005391.5 (MANE Select); coding-DNA position 764, C replaced by T.
Protein change: p.Ala255Val; replaces alanine 255 with valine.
Molecular consequence: missense variant.
Genome position (GRCh38, 1-based): chrX:24,527,587, C>T. VCF-style: chrX-24527587-C-T. GRCh37 (hg19) VCF-style: chrX-24545704-C-T.
Other names: c.764C>T, p.Ala255Val (NM_001142386.3); short protein forms A255V.
Identifiers: ClinVar variation 3624196 (VCV003624196.2).

ClinVar aggregate classification (germline): Uncertain significance (1 of 4 stars; one submission).

Conditions:
Charcot-Marie-Tooth disease X-linked dominant 6. Also called: CHARCOT-MARIE-TOOTH NEUROPATHY, X-LINKED DOMINANT, 6. Identifiers: Orphanet 352675, MedGen C3806702, MONDO:0010479, OMIM 300905.

gnomAD v4.1: 9 of 1,155,376 alleles (0.00078%); highest among the groups gnomAD compares: Admixed American, 0.014%; no homozygotes.

Submission:

Labcorp Genetics (formerly Invitae), Labcorp
Classification: Uncertain significance for Charcot-Marie-Tooth disease X-linked dominant 6. Last evaluated: 2024-05-06. Review status: criteria provided, single submitter. Criteria: Invitae Variant Classification Sherloc (09022015). Collection method: clinical testing. Allele origin: germline.
Comment: This sequence change replaces alanine, which is neutral and non-polar, with valine, which is neutral and non-polar, at codon 255 of the PDK3 protein (p.Ala255Val). The frequency data for this variant in the population databases is considered unreliable, as metrics indicate poor data quality at this position in the gnomAD database. This variant has not been reported in the literature in individuals affected with PDK3-related conditions. Advanced modeling of protein sequence and biophysical properties (such as structural, functional, and spatial information, amino acid conservation, physicochemical variation, residue mobility, and thermodynamic stability) performed at Invitae indicates that this missense variant is expected to disrupt PDK3 protein function with a positive predictive value of 80%. In summary, the available evidence is currently insufficient to determine the role of this variant in disease. Therefore, it has been classified as a Variant of Uncertain Significance.